The following is an entry in ClinVar:

ClinVar aggregate classification (germline): Likely benign (0 of 4 stars; one submission).

Conditions:
SRRM2-related disorder. Also called: SRRM2-related condition.

Allele frequency attached by ClinVar (database versions not stated): gnomAD exomes below 0.00001; TOPMed below 0.00001.
gnomAD v4.1: 4 of 1,614,176 alleles (0.00025%); highest among the groups gnomAD compares: African/African-American, 0.0027%; no homozygotes.

Submission:

PreventionGenetics, part of Exact Sciences
Classification: Likely benign for SRRM2-related condition. Last evaluated: 2023-01-03. Review status: no assertion criteria provided. Collection method: clinical testing. Allele origin: germline.
Comment: This variant is classified as likely benign based on ACMG/AMP sequence variant interpretation guidelines (Richards et al. 2015 PMID: 25741868, with internal and published modifications).

NM_016333.4(SRRM2):c.3774A>G (p.Ser1258=)

Gene: SRRM2 (serine/arginine repetitive matrix 2; plus strand). Cytogenetic location: 16p13.3.
Variant type: single nucleotide variant.
Coding change: c.3774A>G on transcript NM_016333.4 (MANE Select); coding-DNA position 3774, A replaced by G.
Protein change: p.Ser1258=; no amino-acid change (serine 1258 retained).
Molecular consequence: synonymous variant.
Genome position (GRCh38, 1-based): chr16:2,764,302, A>G. VCF-style: chr16-2764302-A-G. GRCh37 (hg19) VCF-style: chr16-2814303-A-G.
Identifiers: ClinVar variation 3049229 (VCV003049229.2), dbSNP rs924826554, ClinGen allele CA276878210.